The following is an entry in ClinVar:

ClinVar aggregate classification (germline): Likely pathogenic (1 of 4 stars; one submission).

Conditions:
Autosomal recessive limb-girdle muscular dystrophy type 2J (LGMDR10). Also called: Limb-girdle muscular dystrophy, type 2J; MUSCULAR DYSTROPHY, LIMB-GIRDLE, AUTOSOMAL RECESSIVE 10. Identifiers: Orphanet 140922, MedGen C1837342, MONDO:0012127, OMIM 608807.
Dilated cardiomyopathy 1G (CMD1G). Identifiers: Orphanet 154, MedGen C1858763, MONDO:0011400, OMIM 604145.

Submission:

Labcorp Genetics (formerly Invitae), Labcorp
Classification: Likely pathogenic for Dilated cardiomyopathy 1G; Autosomal recessive limb-girdle muscular dystrophy type 2J. Last evaluated: 2024-11-24. Review status: criteria provided, single submitter. Criteria: Invitae Variant Classification Sherloc (09022015). Collection method: clinical testing. Allele origin: germline.
Comment: This sequence change creates a premature translational stop signal (p.Pro22259Leufs*9) in the TTN gene. While this is not anticipated to result in nonsense mediated decay, it is expected to create a truncated TTN protein. This variant is not present in population databases (gnomAD no frequency). This premature translational stop signal has been observed in individual(s) with autosomal dominant dilated cardiomyopathy (internal data). ClinVar contains an entry for this variant (Variation ID: 2953949). This variant is located in the A band of TTN (PMID: 25589632). Truncating variants in this region are significantly overrepresented in patients affected with dilated cardiomyopathy (PMID: 25589632). Truncating variants in this region have also been reported in individuals affected with autosomal recessive centronuclear myopathy (PMID: 23975875). In summary, the currently available evidence indicates that the variant is pathogenic, but additional data are needed to prove that conclusively. Therefore, this variant has been classified as Likely Pathogenic.

Literature cited by the submitters: PubMed 25589632; PubMed 23975875.

NM_001267550.2(TTN):c.66776del (p.Pro22259fs)

Genes: TTN (titin; minus strand), TTN-AS1 (TTN antisense RNA 1; plus strand). Cytogenetic location: 2q31.2.
Variant type: Deletion.
Coding change: c.66776del on transcript NM_001267550.2 (MANE Select); coding-DNA position 66776, one base deleted (C; older notation c.66776delC).
Protein change: p.Pro22259fs; shifts the reading frame from proline 22259.
Molecular consequence: frameshift variant.
Genome position (GRCh38, 1-based): chr2:178,580,603, G deleted on the plus strand (C on the coding strand, the reverse complement: TTN is on the minus strand); the first of 2 consecutive G bases (chr2:178,580,603-178,580,604); deleting either gives the same sequence. VCF-style (leftmost placement, unchanged base first): chr2-178580602-AG-A. GRCh37 (hg19) VCF-style: chr2-179445329-AG-A.
Other names: c.61853del, p.Pro20618fs (NM_001256850.1); c.39581del, p.Pro13194fs (NM_003319.4); c.59072del, p.Pro19691fs (NM_133378.4); c.39956del, p.Pro13319fs (NM_133432.3); c.40157del, p.Pro13386fs (NM_133437.4); short protein forms P13319fs, P13386fs, P19691fs, P20618fs, P13194fs, P22259fs.
Identifiers: ClinVar variation 2953949 (VCV002953949.3), dbSNP rs2468936098, ClinGen allele CA2740096050.
Genomic context (GRCh38, chr2:178,580,602, plus strand): 5'-CATAGTAACTCCAGCACGTAATATGAGTGTCTTCCTTAAGTCCGCATCAAGTTCTCCCTC[AG>A]GTGGAACTGTTTAATTTTGGGTGAAGAAGTTAAATAAAAATTTAATAGTCAAATGTATTT-3'